The following is an entry in ClinVar:

NM_015335.5(MED13L):c.2996A>T (p.Asn999Ile)

Gene: MED13L (mediator complex subunit 13L; minus strand). Cytogenetic location: 12q24.21.
Variant type: single nucleotide variant.
Coding change: c.2996A>T on transcript NM_015335.5 (MANE Select); coding-DNA position 2996, A replaced by T.
Protein change: p.Asn999Ile; replaces asparagine 999 with isoleucine.
Molecular consequence: missense variant.
Genome position (GRCh38, 1-based): chr12:115,996,476, T>A on the plus strand (A>T on the coding strand, the complement: MED13L is on the minus strand). VCF-style: chr12-115996476-T-A. GRCh37 (hg19) VCF-style: chr12-116434281-T-A.
Other names: short protein forms N999I.
Identifiers: ClinVar variation 2631419 (VCV002631419.1), dbSNP rs1420950414, ClinGen allele CA386889513.
Genomic context (GRCh38, chr12:115,996,476, plus strand): 5'-TTAGTTAAGATAAAAATTGCATCAAATATGGCAAGTAAATGACACAATCCCTATACATAC[T>A]TGTAGCCATCTCTAATGAAAGTGGCTGCAGGGGGCATGGGCAGTTGTTCAATTTTAGGAG-3'
Protein context (NP_056150.1, residues 989-1009): PAATFIRDGY[Asn999Ile]NVPSVGSLAD

ClinVar aggregate classification (germline): Uncertain significance (1 of 4 stars; one submission).

Conditions:
MED13L-related disorder. Also called: MED13L-related condition.

gnomAD v4.1: 2 of 1,610,988 alleles (0.00012%); highest among the groups gnomAD compares: Admixed American, 0.0033%; no homozygotes.

Submission:

PreventionGenetics, part of Exact Sciences
Classification: Uncertain significance for MED13L-related condition. Last evaluated: 2023-07-24. Review status: criteria provided, single submitter. Criteria: ACMG Guidelines, 2015. Collection method: clinical testing. Allele origin: germline.
Comment: The MED13L c.2996A>T variant is predicted to result in the amino acid substitution p.Asn999Ile. This variant occurs at the last nucleotide of the exon; however, it is not predicted to significantly reduce the strength of canonical splice donor site (Alamut Visual Plus v1.6.1). To our knowledge, this variant has not been reported in the literature. This variant is reported in 0.0029% of alleles in individuals of Latino descent in gnomAD. At this time, the clinical significance of this variant is uncertain due to the absence of conclusive functional and genetic evidence.